The following is an entry in ClinVar:

NM_001005273.3(CHD3):c.4358+7G>A

Gene: CHD3 (chromodomain helicase DNA binding protein 3; plus strand). Cytogenetic location: 17p13.1.
Variant type: single nucleotide variant.
Coding change: c.4358+7G>A on transcript NM_001005273.3 (MANE Select); 7 bases into the intron after coding-DNA position 4358, G replaced by A.
Molecular consequence: intron variant.
Genome position (GRCh38, 1-based): chr17:7,905,996, G>A. VCF-style: chr17-7905996-G-A. GRCh37 (hg19) VCF-style: chr17-7809314-G-A.
Other names: c.4535+7G>A (NM_001005271.3); c.4358+7G>A (NM_005852.4).
Identifiers: ClinVar variation 3047603 (VCV003047603.4), dbSNP rs200795614, ClinGen allele CA8363297.

ClinVar aggregate classification (germline): Likely benign. Review status: criteria provided, single submitter (1 of 4 stars). 2 submissions from 2 submitters: Likely benign (1). 1 of the submissions does not count toward it. Last evaluated 2026-05-01.

Conditions:
CHD3-related disorder. Also called: CHD3-related condition.

Allele frequency attached by ClinVar (database versions not stated): ExAC 0.00010; ESP Exome Variant Server 0.00015; gnomAD 0.00017; TOPMed 0.00024; gnomAD exomes 0.00028.

Submissions (2):

CeGaT Center for Human Genetics Tuebingen
Classification: Likely benign. Last evaluated: 2026-05-01. Review status: criteria provided, single submitter. Criteria: CeGaT Center For Human Genetics Tuebingen Variant Classification Criteria Version 2. Collection method: clinical testing. Allele origin: germline. Affected: yes. Observed: 1 variant allele.
Comment: CHD3: BP4, BS2

PreventionGenetics, part of Exact Sciences
Classification: Likely benign for CHD3-related condition. Last evaluated: 2019-04-04. Review status: no assertion criteria provided. Collection method: clinical testing. Allele origin: germline. Not counted in ClinVar's aggregate classification.
Comment: This variant is classified as likely benign based on ACMG/AMP sequence variant interpretation guidelines (Richards et al. 2015 PMID: 25741868, with internal and published modifications).